The following is an entry in ClinVar:

NM_000158.4(GBE1):c.610G>T (p.Val204Leu)

Gene: GBE1 (1,4-alpha-glucan branching enzyme 1; minus strand). Cytogenetic location: 3p12.2.
Variant type: single nucleotide variant.
Coding change: c.610G>T on transcript NM_000158.4 (MANE Select); coding-DNA position 610, G replaced by T.
Protein change: p.Val204Leu; replaces valine 204 with leucine.
Molecular consequence: missense variant.
Genome position (GRCh38, 1-based): chr3:81,648,937, C>A on the plus strand (G>T on the coding strand, the complement: GBE1 is on the minus strand). VCF-style: chr3-81648937-C-A. GRCh37 (hg19) VCF-style: chr3-81698088-C-A.
Other names: short protein forms V204L.
Identifiers: ClinVar variation 1061386 (VCV001061386.4), dbSNP rs2107072252, ClinGen allele CA353688385.
Genomic context (GRCh38, chr3:81,648,937, plus strand): 5'-GTACATTGCATGTAAAATGTTTATAAGAAGCTACTTTTCCTTCATGGGAAGAAATTCCCA[C>A]ATGAGATTCATAAATTCTTAGACTCCGTGGCTTCTTTGGTCTGGAATGCTTAAACTACAG-3'
Protein context (NP_000149.4, residues 194-214): PRSLRIYESH[Val204Leu]GISSHEGKVA

ClinVar aggregate classification (germline): Conflicting classifications of pathogenicity. Review status: criteria provided, conflicting classifications (1 of 4 stars). 4 submissions from 4 submitters: Likely pathogenic (1); Uncertain significance (2). 1 of the submissions does not count toward it. Last evaluated 2025-07-22.

Conditions:
Glycogen storage disease IV, classic hepatic. Also called: GSD IV, CLASSIC HEPATIC. Identifiers: MedGen C1856301.
Glycogen storage disease, type IV (GSD4). Also called: AMYLOPECTINOSIS; ANDERSEN DISEASE; BRANCHER DEFICIENCY; CIRRHOSIS, FAMILIAL, WITH DEPOSITION OF ABNORMAL GLYCOGEN; GBE1 DEFICIENCY; GLYCOGEN BRANCHING ENZYME DEFICIENCY. Identifiers: Orphanet 367, MedGen C0017923, MONDO:0009292, OMIM 232500.
Adult polyglucosan body disease (APBN). Also called: GBE1-Adult Polyglucosan Body Disease; POLYGLUCOSAN BODY DISEASE, ADULT FORM. Identifiers: Orphanet 206583, MedGen C1849722, MONDO:0009897, OMIM 263570.

Allele frequency attached by ClinVar (database versions not stated): gnomAD exomes below 0.00001.
gnomAD v4.1: 1 of 1,580,844 alleles (0.000063%); highest among the groups gnomAD compares: East Asian, 0.0023%; no homozygotes.

Submissions (4):

Women's Health and Genetics/Laboratory Corporation of America, LabCorp
Classification: Uncertain significance. Last evaluated: 2025-07-22. Review status: criteria provided, single submitter. Criteria: LabCorp Variant Classification Summary - May 2015. Collection method: clinical testing. Allele origin: germline.
Comment: Variant summary: GBE1 c.610G>T (p.Val204Leu) results in a conservative amino acid change in the encoded protein sequence. Algorithms developed to predict the effect of missense changes on protein structure and function are either unavailable or do not agree on the potential impact of this missense change. The variant was absent in 235250 control chromosomes (gnomAD). c.610G>T has been observed in individuals affected with Glycogen Storage Disease, Type IV (Ying_2020, Chen_2024). These data indicate that the variant may be associated with disease. To our knowledge, no experimental evidence demonstrating an impact on protein function has been reported. The following publications have been ascertained in the context of this evaluation (PMID: 33344388, 38764721). ClinVar contains an entry for this variant (Variation ID: 1061386). Based on the evidence outlined above, the variant was classified as VUS-possibly pathogenic.

3billion
Classification: Likely pathogenic for Adult polyglucosan body disease. Last evaluated: 2024-08-06. Review status: criteria provided, single submitter. Criteria: ACMG Guidelines, 2015. Collection method: clinical testing. Allele origin: germline. Affected: yes.
Comment: The variant is observed at an extremely low frequency in the gnomAD v4.0.0 dataset (total allele frequency: <0.001%). Predicted Consequence/Location: The majority of the known disease-causing variants of this gene are variants expected to result in premature termination of the protein. In silico tool predictions suggest damaging effect of the variant on gene or gene product [REVEL: 0.81 (>=0.6, sensitivity 0.68 and specificity 0.92); 3Cnet: 0.74 (>=0.6, sensitivity 0.72 and precision 0.9)]. The same nucleotide change resulting in the same amino acid change has been previously reported to be associated with GBE1 related disorder (PMID: 33344388). Therefore, this variant is classified as Likely pathogenic according to the recommendation of ACMG/AMP guideline.

Labcorp Genetics (formerly Invitae), Labcorp
Classification: Uncertain significance for Glycogen storage disease, type IV; Glycogen storage disease IV, classic hepatic. Last evaluated: 2020-10-20. Review status: criteria provided, single submitter. Criteria: Invitae Variant Classification Sherloc (09022015). Collection method: clinical testing. Allele origin: germline.
Comment: This sequence change replaces valine with leucine at codon 204 of the GBE1 protein (p.Val204Leu). The valine residue is highly conserved and there is a small physicochemical difference between valine and leucine. This variant is not present in population databases (ExAC no frequency). This variant has not been reported in the literature in individuals with GBE1-related conditions. Advanced modeling of protein sequence and biophysical properties (such as structural, functional, and spatial information, amino acid conservation, physicochemical variation, residue mobility, and thermodynamic stability) performed at Invitae indicates that this missense variant is expected to disrupt GBE1 protein function. In summary, the available evidence is currently insufficient to determine the role of this variant in disease. Therefore, it has been classified as a Variant of Uncertain Significance.

Natera, Inc.
Classification: Uncertain significance for Glycogen storage disease type IV. Last evaluated: 2020-06-15. Review status: no assertion criteria provided. Collection method: clinical testing. Allele origin: germline. Not counted in ClinVar's aggregate classification.

Literature cited by the submitters: PubMed 33344388 (cited by Women's Health and Genetics/Laboratory Corporation of America, LabCorp and 3billion); PubMed 38764721 (cited by Women's Health and Genetics/Laboratory Corporation of America, LabCorp).